The following is an entry in ClinVar:

NM_002816.5(PSMD12):c.1124T>C (p.Met375Thr)

Gene: PSMD12 (proteasome 26S subunit, non-ATPase 12; minus strand). Cytogenetic location: 17q24.2.
Variant type: single nucleotide variant.
Coding change: c.1124T>C on transcript NM_002816.5 (MANE Select); coding-DNA position 1124, T replaced by C.
Protein change: p.Met375Thr; replaces methionine 375 with threonine.
Molecular consequence: missense variant.
Genome position (GRCh38, 1-based): chr17:67,342,223, A>G on the plus strand (T>C on the coding strand, the complement: PSMD12 is on the minus strand). VCF-style: chr17-67342223-A-G. GRCh37 (hg19) VCF-style: chr17-65338339-A-G.
Other names: c.947T>C, p.Met316Thr (NM_001316341.2); c.1064T>C, p.Met355Thr (NM_174871.4); short protein forms M316T, M355T, M375T.
Identifiers: ClinVar variation 2629059 (VCV002629059.1), dbSNP rs2509679190, ClinGen allele CA400803660.

ClinVar aggregate classification (germline): Uncertain significance (1 of 4 stars; one submission).

Conditions:
PSMD12-related disorder. Also called: PSMD12-related condition.

Allele frequency attached by ClinVar (database versions not stated): gnomAD exomes below 0.00001.
gnomAD v4.1: 1 of 1,589,618 alleles (0.000063%); highest among the groups gnomAD compares: Non-Finnish European, 0.000086%; no homozygotes.

Submission:

PreventionGenetics, part of Exact Sciences
Classification: Uncertain significance for PSMD12-related condition. Last evaluated: 2023-01-06. Review status: criteria provided, single submitter. Criteria: ACMG Guidelines, 2015. Collection method: clinical testing. Allele origin: germline.
Comment: The PSMD12 c.1124T>C variant is predicted to result in the amino acid substitution p.Met375Thr. To our knowledge, this variant has not been reported in the literature or in a large population database, indicating this variant is rare. At this time, the clinical significance of this variant is uncertain due to the absence of conclusive functional and genetic evidence.